The following is an entry in ClinVar:

NC_000022.11:g.25992363_25992365del

Gene: MYO18B (myosin XVIIIB; plus strand). Cytogenetic location: 22q12.1.
Variant type: Deletion.
Genome position: GRCh38 VCF-style: chr22-25992360-CAGG-C. GRCh37 (hg19) VCF-style: chr22-26388326-CAGG-C.
Identifiers: ClinVar variation 2099544 (VCV002099544.5), dbSNP rs2518266726, ClinGen allele CA2580099299.

ClinVar aggregate classification (germline): Uncertain significance (1 of 4 stars; one submission).

Submission:

Labcorp Genetics (formerly Invitae), Labcorp
Classification: Uncertain significance. Last evaluated: 2022-11-15. Review status: criteria provided, single submitter. Criteria: Invitae Variant Classification Sherloc (09022015). Collection method: clinical testing. Allele origin: germline.
Comment: This variant, c.6157_6159del, results in the deletion of 1 amino acid(s) of the MYO18B protein (p.Glu2053del), but otherwise preserves the integrity of the reading frame. This variant is not present in population databases (gnomAD no frequency). This variant has not been reported in the literature in individuals affected with MYO18B-related conditions. Algorithms developed to predict the effect of sequence changes on RNA splicing suggest that this variant may disrupt the consensus splice site. In summary, the available evidence is currently insufficient to determine the role of this variant in disease. Therefore, it has been classified as a Variant of Uncertain Significance.